The following is an entry in ClinVar:

NM_003060.4(SLC22A5):c.797C>T (p.Pro266Leu)

Gene: SLC22A5 (solute carrier family 22 member 5; plus strand). Cytogenetic location: 5q31.1.
Variant type: single nucleotide variant.
Coding change: c.797C>T on transcript NM_003060.4 (MANE Select); coding-DNA position 797, C replaced by T.
Protein change: p.Pro266Leu; replaces proline 266 with leucine.
Molecular consequence: missense variant.
Genome position (GRCh38, 1-based): chr5:132,385,472, C>T. VCF-style: chr5-132385472-C-T. GRCh37 (hg19) VCF-style: chr5-131721164-C-T.
Other names: p.Pro266Leu; c.869C>T, p.Pro290Leu (NM_001308122.2); short protein forms P290L, P266L.
Identifiers: ClinVar variation 846688 (VCV000846688.24), dbSNP rs538372785, ClinGen allele CA3403972.
Genomic context (GRCh38, chr5:132,385,472, plus strand): 5'-TGCCACTGTTTGCTTACTTCATCCGAGACTGGCGGATGCTGCTGGTGGCGCTGACGATGC[C>T]GGGGGTGCTATGCGTGGCACTCTGGTGGTGAGTGTGACCTTGTGCCCCATGTGCCCACTG-3'
Protein context (NP_003051.1, residues 256-276): WRMLLVALTM[Pro266Leu]GVLCVALWWF

ClinVar aggregate classification (germline): Pathogenic/Likely pathogenic. Review status: criteria provided, multiple submitters, no conflicts (2 of 4 stars). 7 submissions from 7 submitters: Pathogenic (5); Likely pathogenic (1). 1 of the submissions does not count toward it. Last evaluated 2026-03-05.

Conditions:
Renal carnitine transport defect (CDSP). Also called: Carnitine Deficiency, Systemic; Primary carnitine deficiency; Systemic primary carnitine deficiency; CARNITINE DEFICIENCY, SYSTEMIC, DUE TO DEFECT IN RENAL REABSORPTION OF CARNITINE; CARNITINE TRANSPORTER, PLASMA-MEMBRANE, DEFICIENCY OF; CARNITINE UPTAKE DEFECT. Identifiers: Orphanet 158, MedGen C0342788, MONDO:0008919, OMIM 212140.
Carnitine deficiency. Identifiers: MedGen C1142132.

Allele frequency attached by ClinVar (database versions not stated): TOPMed 0.00003; 1000 Genomes Project 30x 0.00016; 1000 Genomes Project 0.00020.
gnomAD v4.1: 13 of 1,614,024 alleles (0.00081%); highest among the groups gnomAD compares: East Asian, 0.018%; no homozygotes.

Submissions (7):

Mendelics
Classification: Pathogenic for Renal carnitine transport defect. Last evaluated: 2026-03-05. Review status: criteria provided, single submitter. Criteria: ACMG Guidelines, 2015. Collection method: clinical testing. Allele origin: unknown.
Comment: Likely pathogenic/Pathogenic according to ACMG criteria.

Women's Health and Genetics/Laboratory Corporation of America, LabCorp
Classification: Pathogenic for Renal carnitine transport defect. Last evaluated: 2025-12-01. Review status: criteria provided, single submitter. Criteria: LabCorp Variant Classification Summary - May 2015. Collection method: clinical testing. Allele origin: germline.
Comment: Variant summary: SLC22A5 c.797C>T (p.Pro266Leu) results in a non-conservative amino acid change in the encoded protein sequence. Algorithms developed to predict the effect of missense changes on protein structure and function all suggest that this variant is likely to be disruptive. The variant allele was found at a frequency of 4.4e-05 in 251396 control chromosomes. This frequency is not significantly higher than estimated for disease-causing variants in SLC22A5, allowing no conclusion about variant significance. c.797C>T has been observed in the presumed or confirmed compound heterozygous state in multiple individuals affected with clinical or biochemical features of Systemic Primary Carnitine Deficiency (example, Lin_2024, Zhou_2019, Zhang_2019). These data indicate that the variant is very likely to be associated with disease. At least one publication reports experimental evidence evaluating an impact on protein function. The most pronounced variant effect results in 10%-<30% of normal activity in vitro (example, Koleske_2022). The following publications have been ascertained in the context of this evaluation (PMID: 38187300, 30863740, 31364285, 36343260). ClinVar contains an entry for this variant (Variation ID: 846688). Based on the evidence outlined above, the variant was classified as pathogenic.

Labcorp Genetics (formerly Invitae), Labcorp
Classification: Pathogenic for Renal carnitine transport defect. Last evaluated: 2025-11-24. Review status: criteria provided, single submitter. Criteria: Invitae Variant Classification Sherloc (09022015). Collection method: clinical testing. Allele origin: germline.
Comment: This sequence change replaces proline, which is neutral and non-polar, with leucine, which is neutral and non-polar, at codon 266 of the SLC22A5 protein (p.Pro266Leu). This variant is present in population databases (rs538372785, gnomAD 0.05%). This missense change has been observed in individual(s) with primary carnitine deficiency (PMID: 30863740, 31364285). In at least one individual the data is consistent with being in trans (on the opposite chromosome) from a pathogenic variant. ClinVar contains an entry for this variant (Variation ID: 846688). Invitae Evidence Modeling of protein sequence and biophysical properties (such as structural, functional, and spatial information, amino acid conservation, physicochemical variation, residue mobility, and thermodynamic stability) has been performed for this missense variant. However, the output from this modeling did not meet the statistical confidence thresholds required to predict the impact of this variant on SLC22A5 protein function. This variant disrupts the p.Pro266 amino acid residue in SLC22A5. Other variant(s) that disrupt this residue have been observed in individuals with SLC22A5-related conditions (internal data), which suggests that this may be a clinically significant amino acid residue. For these reasons, this variant has been classified as Pathogenic.

Natera, Inc.
Classification: Pathogenic for Carnitine deficiency. Last evaluated: 2025-06-13. Review status: criteria provided, single submitter. Criteria: Natera Variant Classification Schema (03/2026). Collection method: clinical testing. Allele origin: germline.
Comment: The c.797C>T variant in SLC22A5 is a missense variant predicted to cause substitution of proline to leucine at amino acid 266. This variant is rare in the general population with a frequency below the threshold expected for the associated phenotype(s). This variant has been observed in one or more individuals affected with the associated recessive disease, as either homozygous or compound heterozygous with a second variant (PMID: 34249102, 3086374, 30904546). Computational prediction algorithms indicate this variant is likely to affect gene or protein function. Given the available evidence, this variant is classified as Pathogenic.

Fulgent Genetics
Classification: Likely pathogenic for Renal carnitine transport defect. Last evaluated: 2024-05-21. Review status: criteria provided, single submitter. Criteria: ACMG Guidelines, 2015. Collection method: clinical testing. Allele origin: germline.

Juno Genomics, Hangzhou Juno Genomics, Inc
Classification: Pathogenic for Renal carnitine transport defect. Review status: criteria provided, single submitter. Criteria: ACMG Guidelines, 2015. Collection method: clinical testing. Allele origin: germline.
Comment: Absent from controls (or at extremely low frequency if recessive) in Genome Aggregation Database.;For recessive disorders, detected in trans with a pathogenic variant.;Patient's phenotype or family history is highly specific for a disease with a single genetic etiology.

Giacomini Lab, University of California, San Francisco
Classification: Uncertain significance for Renal carnitine transport defect. Last evaluated: 2022-10-03. Review status: flagged submission. Criteria: ACMG Guidelines, 2015. Collection method: research, in vitro. Allele origin: germline, not applicable. Not counted in ClinVar's aggregate classification.
ClinVar note: Reason: Outlier claim with insufficient supporting evidence

Literature cited by the submitters: PubMed 30863740 (cited by Women's Health and Genetics/Laboratory Corporation of America, LabCorp and Labcorp Genetics (formerly Invitae), Labcorp); PubMed 36343260 (cited by Women's Health and Genetics/Laboratory Corporation of America, LabCorp); PubMed 31364285 (cited by Women's Health and Genetics/Laboratory Corporation of America, LabCorp and Labcorp Genetics (formerly Invitae), Labcorp); PubMed 38187300 (cited by Women's Health and Genetics/Laboratory Corporation of America, LabCorp); PubMed 34249102 (cited by Natera, Inc.); PubMed 3086374 (cited by Natera, Inc.); PubMed 30904546 (cited by Natera, Inc.).